The following is an entry in ClinVar:

NM_000212.3(ITGB3):c.2328C>T (p.Ala776=)

Genes: EFCAB13-DT (EFCAB13 divergent transcript; minus strand), ITGB3 (integrin subunit beta 3; plus strand). Cytogenetic location: 17q21.32.
Variant type: single nucleotide variant.
Coding change: c.2328C>T on transcript NM_000212.3 (MANE Select); coding-DNA position 2328, C replaced by T.
Protein change: p.Ala776=; no amino-acid change (alanine 776 retained).
Molecular consequence: synonymous variant.
Genome position (GRCh38, 1-based): chr17:47,310,165, C>T. VCF-style: chr17-47310165-C-T. GRCh37 (hg19) VCF-style: chr17-45387531-C-T.
Other names: NM_000212.3(ITGB3):c.2328C>T; p.Ala776=.
Identifiers: ClinVar variation 323874 (VCV000323874.11), dbSNP rs563420692, ClinGen allele CA8623516.

ClinVar aggregate classification (germline): Likely benign. Review status: reviewed by expert panel (3 of 4 stars). 4 submissions from 4 submitters: Likely benign (1). 3 of the submissions do not count toward it. Last evaluated 2023-02-02.

Conditions:
Glanzmann thrombasthenia. Also called: THROMBASTHENIA OF GLANZMANN AND NAEGELI; Glanzmann's thrombasthenia; PLATELET GLYCOPROTEIN IIb-IIIa DEFICIENCY; Thrombasthenia. Identifiers: Orphanet 849, MedGen C0040015, MONDO:0100326.

Allele frequency attached by ClinVar (database versions not stated): gnomAD exomes 0.00006 and 0.00014; 1000 Genomes Project 30x 0.00016; ExAC 0.00017; 1000 Genomes Project 0.00020; gnomAD below 0.00001 and 0.00004; TOPMed 0.00001.
gnomAD v4.1: 91 of 1,614,004 alleles (0.0056%); highest among the groups gnomAD compares: South Asian, 0.089%; 1 homozygote.

Submissions (4):

ClinGen Platelet Disorders Variant Curation Expert Panel, ClinGen
Classification: Likely benign for Glanzmann thrombasthenia. Last evaluated: 2023-02-02. Review status: reviewed by expert panel. Criteria: ClinGen Platelet ACMG Specifications v2-1. Collection method: curation. Allele origin: germline. Inheritance: Autosomal recessive inheritance.
Comment: After a comprehensive literature search of the synonymous variant NM_000212.3(ITGB3):c.2328C>T (p.Ala776=), no individuals with Glanzmann thrombasthenia were reported with the variant. The variant was first identified by Illumina in a predisposition screen of an ostensibly healthy population. The variant has a minor allele frequency of 0.001078 (33/30614 alleles) in the South Asian population in gnomAD, which does not meet our threshold criteria for PM2_supporting or BS1. In silico predictor spliceAI revealed that the synonymous mutation is not expected to impact splicing and a PhyloP score of .2196 shows that the nucleotide position is not highly conserved (BP4, BP7). In summary, this variant meets the criteria to be classified as Likely Benign for autosomal recessive Glanzmann Thrombasthenia based on the ACMG/AMP criteria applied, as specified by the ClinGen PD VCEP: BP4, BP7 (PD VCEP specifications version 2.1).

Labcorp Genetics (formerly Invitae), Labcorp
Classification: Likely benign. Last evaluated: 2026-01-28. Review status: criteria provided, single submitter. Criteria: Invitae Variant Classification Sherloc (09022015). Collection method: clinical testing. Allele origin: germline. Not counted in ClinVar's aggregate classification.

Blueprint Genetics
Classification: Likely benign. Last evaluated: 2024-10-30. Review status: criteria provided, single submitter. Criteria: ACMG Guidelines, 2015. Collection method: clinical testing. Allele origin: germline. Not counted in ClinVar's aggregate classification.

Illumina Laboratory Services, Illumina
Classification: Uncertain significance for Glanzmann thrombasthenia 1. Last evaluated: 2018-01-12. Review status: criteria provided, single submitter. Criteria: ICSL Variant Classification Criteria 13 December 2019. Collection method: clinical testing. Allele origin: germline. Not counted in ClinVar's aggregate classification.